The following is an entry in ClinVar:

NM_001100913.3(PACS2):c.670G>A (p.Glu224Lys)

Gene: PACS2 (phosphofurin acidic cluster sorting protein 2; plus strand). Cytogenetic location: 14q32.33.
Variant type: single nucleotide variant.
Coding change: c.670G>A on transcript NM_001100913.3 (MANE Select); coding-DNA position 670, G replaced by A.
Protein change: p.Glu224Lys; replaces glutamic acid 224 with lysine.
Molecular consequence: missense variant.
Genome position (GRCh38, 1-based): chr14:105,368,468, G>A. VCF-style: chr14-105368468-G-A. GRCh37 (hg19) VCF-style: chr14-105834805-G-A.
Other names: c.469G>A, p.Glu157Lys (NM_001243127.3); c.670G>A, p.Glu224Lys (NM_015197.4); short protein forms E157K, E224K.
Identifiers: ClinVar variation 2805292 (VCV002805292.3), dbSNP rs1555408517, ClinGen allele CA391175440.

ClinVar aggregate classification (germline): Uncertain significance (1 of 4 stars; one submission).

gnomAD v4.1: 5 of 1,613,792 alleles (0.00031%); highest among the groups gnomAD compares: South Asian, 0.0011%; no homozygotes.

Submission:

Labcorp Genetics (formerly Invitae), Labcorp
Classification: Uncertain significance. Last evaluated: 2024-04-03. Review status: criteria provided, single submitter. Criteria: Invitae Variant Classification Sherloc (09022015). Collection method: clinical testing. Allele origin: germline.
Comment: This sequence change replaces glutamic acid, which is acidic and polar, with lysine, which is basic and polar, at codon 224 of the PACS2 protein (p.Glu224Lys). This variant is present in population databases (no rsID available, gnomAD 0.002%). This variant has not been reported in the literature in individuals affected with PACS2-related conditions. An algorithm developed to predict the effect of missense changes on protein structure and function (PolyPhen-2) suggests that this variant is likely to be tolerated. In summary, the available evidence is currently insufficient to determine the role of this variant in disease. Therefore, it has been classified as a Variant of Uncertain Significance.